The following is an entry in ClinVar:

NM_001372044.2(SHANK3):c.2459C>A (p.Thr820Asn)

Gene: SHANK3 (SH3 and multiple ankyrin repeat domains 3; plus strand). Cytogenetic location: 22q13.33.
Variant type: single nucleotide variant.
Coding change: c.2459C>A on transcript NM_001372044.2 (MANE Select); coding-DNA position 2459, C replaced by A.
Protein change: p.Thr820Asn; replaces threonine 820 with asparagine.
Molecular consequence: missense variant.
Genome position (GRCh38, 1-based): chr22:50,715,016, C>A. VCF-style: chr22-50715016-C-A. GRCh37 (hg19) VCF-style: chr22-51153444-C-A.
Other names: c.2234C>A, p.Thr745Asn (NM_033517.1); short protein forms T745N, T820N.
Identifiers: ClinVar variation 2572739 (VCV002572739.1), dbSNP rs1199185639, ClinGen allele CA515257936.

ClinVar aggregate classification (germline): Uncertain significance (1 of 4 stars; one submission).

Submission:

GeneDx
Classification: Uncertain significance. Last evaluated: 2023-01-11. Review status: criteria provided, single submitter. Criteria: GeneDx Variant Classification Process June 2021. Collection method: clinical testing. Allele origin: germline. Affected: yes.
Comment: Not observed at significant frequency in large population cohorts (gnomAD); In silico analysis supports that this missense variant has a deleterious effect on protein structure/function; Has not been previously published as pathogenic or benign to our knowledge